The following is an entry in ClinVar:

ClinVar aggregate classification (germline): Uncertain significance. Review status: criteria provided, multiple submitters, no conflicts (2 of 4 stars). 2 submissions from 2 submitters: Uncertain significance (2). Last evaluated 2024-05-20.

Conditions:
Inborn genetic diseases. Identifiers: MedGen C0950123, MeSH D030342.

Allele frequency attached by ClinVar (database versions not stated): ExAC 0.00010; gnomAD 0.00022; TOPMed 0.00029; ESP Exome Variant Server 0.00031; gnomAD exomes 0.00007; 1000 Genomes Project 30x 0.00031; 1000 Genomes Project 0.00040.
gnomAD v4.1: 67 of 1,614,052 alleles (0.0042%); highest among the groups gnomAD compares: African/African-American, 0.069%; no homozygotes.

Submissions (2):

Ambry Genetics
Classification: Uncertain significance for Inborn genetic diseases. Last evaluated: 2024-05-20. Review status: criteria provided, single submitter. Criteria: Ambry Variant Classification Scheme 2023. Collection method: clinical testing. Allele origin: germline.

GeneDx
Classification: Uncertain significance. Last evaluated: 2021-10-07. Review status: criteria provided, single submitter. Criteria: GeneDx Variant Classification Process June 2021. Collection method: clinical testing. Allele origin: germline. Affected: yes.
Comment: Has not been previously published as pathogenic or benign to our knowledge; In silico analysis supports that this missense variant does not alter protein structure/function

NM_001374504.1(TMPRSS6):c.958C>A (p.Pro320Thr)

Gene: TMPRSS6 (transmembrane serine protease 6; minus strand). Cytogenetic location: 22q12.3.
Variant type: single nucleotide variant.
Coding change: c.958C>A on transcript NM_001374504.1 (MANE Select); coding-DNA position 958, C replaced by A.
Protein change: p.Pro320Thr; replaces proline 320 with threonine.
Molecular consequence: missense variant.
Genome position (GRCh38, 1-based): chr22:37,086,298, G>T on the plus strand (C>A on the coding strand, the complement: TMPRSS6 is on the minus strand). VCF-style: chr22-37086298-G-T. GRCh37 (hg19) VCF-style: chr22-37482338-G-T.
Other names: c.985C>A (NM_153609.2); c.958C>A, p.Pro320Thr (NM_001289000.2, NM_001289001.2, NM_153609.4); short protein forms P320T.
Identifiers: ClinVar variation 1300922 (VCV001300922.3), dbSNP rs138251339, ClinGen allele CA10215841.
Genomic context (GRCh38, chr22:37,086,298, plus strand): 5'-TCTACCACCACCCCTCCCCTGCCCCAGGGACCCCTGACCTCTCACCCTGGAAGACCACCG[G>T]CTGCACGGAGAGCACGAAGGGGTCGTAGTAGCTGTGCAGGCCCTTCTTCCAGACGACCGC-3'
Protein context (NP_001361433.1, residues 310-330): YYDPFVLSVQ[Pro320Thr]VVFQACEVNL